The following is an entry in ClinVar:

NM_053025.4(MYLK):c.2371_2375dup (p.Glu793fs)

Gene: MYLK (myosin light chain kinase; minus strand). Cytogenetic location: 3q21.1.
Variant type: Duplication.
Coding change: c.2371_2375dup on transcript NM_053025.4 (MANE Select); coding-DNA positions 2371 to 2375, 5 bases duplicated (CAGTA; older notation c.2371_2375dupCAGTA).
Protein change: p.Glu793fs; shifts the reading frame from glutamic acid 793.
Molecular consequence: frameshift variant.
Genome position (GRCh38, 1-based): chr3:123,707,769-123,707,773, TACTG duplicated on the plus strand (CAGTA on the coding strand, the reverse complement: MYLK is on the minus strand). VCF-style (leftmost placement, unchanged base first): chr3-123707768-A-ATACTG. GRCh37 (hg19) VCF-style: chr3-123426615-A-ATACTG.
Other names: c.1843_1847dup, p.Glu617fs (NM_001321309.2); c.2164_2168dup, p.Glu724fs (NM_053026.4, NM_053028.4); c.2371_2375dup, p.Glu793fs (NM_053027.4); short protein forms E617fs, E793fs, E724fs.
Identifiers: ClinVar variation 3712759 (VCV003712759.2).

ClinVar aggregate classification (germline): Uncertain significance (1 of 4 stars; one submission).

Conditions:
Aortic aneurysm, familial thoracic 7 (AAT7). Also called: AORTIC DISSECTION, FAMILIAL, WITH OR WITHOUT AORTIC ANEURYSM. Identifiers: MedGen C3151077, MONDO:0013418, OMIM 613780.

Submission:

Labcorp Genetics (formerly Invitae), Labcorp
Classification: Uncertain significance for Aortic aneurysm, familial thoracic 7. Last evaluated: 2024-12-25. Review status: criteria provided, single submitter. Criteria: Invitae Variant Classification Sherloc (09022015). Collection method: clinical testing. Allele origin: germline.
Comment: This sequence change creates a premature translational stop signal (p.Glu793Serfs*19) in the MYLK gene. This variant occurs in the long isoform of MYLK (PMID: 21055718). The current clinical and genetic evidence is not sufficient to establish whether loss-of-function variants in the long isoform of MYLK cause disease. This variant is not present in population databases (gnomAD no frequency). This variant has not been reported in the literature in individuals affected with MYLK-related conditions. In summary, the available evidence is currently insufficient to determine the role of this variant in disease. Therefore, it has been classified as a Variant of Uncertain Significance.

Literature cited by the submitters: PubMed 21055718.